The following is an entry in ClinVar:

ClinVar aggregate classification (germline): Likely benign (0 of 4 stars; one submission).

Conditions:
IRX1-related disorder. Also called: IRX1-related condition.

Allele frequency attached by ClinVar (database versions not stated): 1000 Genomes Project 0.00020; 1000 Genomes Project 30x 0.00031; gnomAD 0.00062; TOPMed 0.00072; ESP Exome Variant Server 0.00108; ExAC 0.00189.
gnomAD v4.1: 1,054 of 1,496,702 alleles (0.07%); highest among the groups gnomAD compares: Admixed American, 0.091%; 2 homozygotes.

Submission:

PreventionGenetics, part of Exact Sciences
Classification: Likely benign for IRX1-related condition. Last evaluated: 2019-10-28. Review status: no assertion criteria provided. Collection method: clinical testing. Allele origin: germline.
Comment: This variant is classified as likely benign based on ACMG/AMP sequence variant interpretation guidelines (Richards et al. 2015 PMID: 25741868, with internal and published modifications).

NM_024337.4(IRX1):c.933C>T (p.His311=)

Gene: IRX1 (iroquois homeobox 1; plus strand). Cytogenetic location: 5p15.33.
Variant type: single nucleotide variant.
Coding change: c.933C>T on transcript NM_024337.4 (MANE Select); coding-DNA position 933, C replaced by T.
Protein change: p.His311=; no amino-acid change (histidine 311 retained).
Molecular consequence: synonymous variant.
Genome position (GRCh38, 1-based): chr5:3,599,881, C>T. VCF-style: chr5-3599881-C-T. GRCh37 (hg19) VCF-style: chr5-3599995-C-T.
Identifiers: ClinVar variation 3045718 (VCV003045718.2), dbSNP rs373622269, ClinGen allele CA3188953.